The following is an entry in ClinVar:

ClinVar aggregate classification (germline): Uncertain significance (1 of 4 stars; one submission).

Conditions:
BBS2-related disorder. Also called: BBS2-related condition; BBS2-related disorders. Identifiers: MedGen CN239228.

Submission:

PreventionGenetics, part of Exact Sciences
Classification: Uncertain significance for BBS2-related condition. Last evaluated: 2025-09-18. Review status: criteria provided, single submitter. Criteria: ACMG Guidelines, 2015. Collection method: clinical testing. Allele origin: germline.
Comment: The BBS2 c.1418A>G variant is predicted to result in the amino acid substitution p.Glu473Gly. To our knowledge, this variant has not been reported in the literature or in a large population database (gnomAD), indicating this variant is rare. At this time, the clinical significance of this variant is uncertain due to the absence of conclusive functional and genetic evidence.

NM_031885.5(BBS2):c.1418A>G (p.Glu473Gly)

Gene: BBS2 (Bardet-Biedl syndrome 2; minus strand). Cytogenetic location: 16q13.
Variant type: single nucleotide variant.
Coding change: c.1418A>G on transcript NM_031885.5 (MANE Select); coding-DNA position 1418, A replaced by G.
Protein change: p.Glu473Gly; replaces glutamic acid 473 with glycine.
Molecular consequence: missense variant. On other transcripts: non-coding transcript variant (5).
Genome position (GRCh38, 1-based): chr16:56,499,887, T>C on the plus strand (A>G on the coding strand, the complement: BBS2 is on the minus strand). VCF-style: chr16-56499887-T-C. GRCh37 (hg19) VCF-style: chr16-56533799-T-C.
Other names: c.1418A>G, p.Glu473Gly (NM_001377456.1); short protein forms E473G.
Identifiers: ClinVar variation 4995770 (VCV004995770.1).